The following is an entry in ClinVar:

NM_015650.4(TRAF3IP1):c.2071dup (p.Arg691fs)

Gene: TRAF3IP1 (TRAF3 interacting protein 1; plus strand). Cytogenetic location: 2q37.3.
Variant type: Duplication.
Coding change: c.2071dup on transcript NM_015650.4 (MANE Select); coding-DNA position 2071, one base duplicated (A; older notation c.2071dupA).
Protein change: p.Arg691fs; shifts the reading frame from arginine 691.
Molecular consequence: frameshift variant.
Genome position (GRCh38, 1-based): chr2:238,398,914, A duplicated; the last of 2 consecutive A bases (chr2:238,398,913-238,398,914); duplicating either gives the same sequence. VCF-style (leftmost placement, unchanged base first): chr2-238398912-G-GA. GRCh37 (hg19) VCF-style: chr2-239307553-G-GA.
Other names: c.1873dup, p.Arg625fs (NM_001139490.1); short protein forms R625fs, R691fs.
Identifiers: ClinVar variation 1368469 (VCV001368469.6), dbSNP rs2106389118, ClinGen allele CA2573135638.

ClinVar aggregate classification (germline): Uncertain significance (1 of 4 stars; one submission).

Submission:

Labcorp Genetics (formerly Invitae), Labcorp
Classification: Uncertain significance. Last evaluated: 2022-03-10. Review status: criteria provided, single submitter. Criteria: Invitae Variant Classification Sherloc (09022015). Collection method: clinical testing. Allele origin: germline.
Comment: This sequence change results in a frameshift in the TRAF3IP1 gene (p.Arg691Lysfs*10). While this is not anticipated to result in nonsense mediated decay, it is expected to disrupt the last 1 amino acid(s) of the TRAF3IP1 protein and extend the protein by 8 additional amino acid residues. This variant is not present in population databases (gnomAD no frequency). This variant has not been reported in the literature in individuals affected with TRAF3IP1-related conditions. Experimental studies and prediction algorithms are not available or were not evaluated, and the functional significance of this variant is currently unknown. In summary, the available evidence is currently insufficient to determine the role of this variant in disease. Therefore, it has been classified as a Variant of Uncertain Significance.